The following is an entry in ClinVar:

ClinVar aggregate classification (germline): Uncertain significance (1 of 4 stars; one submission).

Conditions:
DISC1-related disorder. Also called: DISC1-related condition.

Submission:

PreventionGenetics, part of Exact Sciences
Classification: Uncertain significance for DISC1-related condition. Last evaluated: 2023-07-24. Review status: criteria provided, single submitter. Criteria: ACMG Guidelines, 2015. Collection method: clinical testing. Allele origin: germline.
Comment: The DISC1 c.691C>T variant is predicted to result in the amino acid substitution p.Pro231Ser. To our knowledge, this variant has not been reported in the literature or in a large population database, indicating this variant is rare. At this time, the clinical significance of this variant is uncertain due to the absence of conclusive functional and genetic evidence.

NM_018662.3(DISC1):c.691C>T (p.Pro231Ser)

Genes: DISC1 (DISC1 scaffold protein; plus strand), TSNAX-DISC1 (TSNAX-DISC1 readthrough (NMD candidate); plus strand). Cytogenetic location: 1q42.2.
Variant type: single nucleotide variant.
Coding change: c.691C>T on transcript NM_018662.3 (MANE Select); coding-DNA position 691, C replaced by T.
Protein change: p.Pro231Ser; replaces proline 231 with serine.
Molecular consequence: missense variant. On other transcripts: non-coding transcript variant (8), intron variant (1).
Genome position (GRCh38, 1-based): chr1:231,694,449, C>T. VCF-style: chr1-231694449-C-T. GRCh37 (hg19) VCF-style: chr1-231830195-C-T.
Other names: c.691C>T, p.Pro231Ser (NM_001012957.2, NM_001012958.2, NM_001012959.2 and 18 more transcripts); c.68-55477C>T (NM_001164556.2); short protein forms P231S.
Identifiers: ClinVar variation 2631538 (VCV002631538.1), dbSNP rs997930434, ClinGen allele CA39331805.